The following is an entry in ClinVar:

ClinVar aggregate classification (germline): Uncertain significance (1 of 4 stars; one submission).

Conditions:
Charcot-Marie-Tooth disease type 2. Also called: Charcot-Marie-Tooth type 2. Identifiers: Orphanet 64746, MedGen C0270914, MONDO:0018993.

Submission:

Labcorp Genetics (formerly Invitae), Labcorp
Classification: Uncertain significance for Charcot-Marie-Tooth disease type 2. Last evaluated: 2024-07-15. Review status: criteria provided, single submitter. Criteria: Invitae Variant Classification Sherloc (09022015). Collection method: clinical testing. Allele origin: germline.
Comment: This sequence change replaces valine, which is neutral and non-polar, with phenylalanine, which is neutral and non-polar, at codon 452 of the LMNA protein (p.Val452Phe). This variant is not present in population databases (gnomAD no frequency). This missense change has been observed in individual(s) with clinical features of congenital muscular dystrophy (Invitae). ClinVar contains an entry for this variant (Variation ID: 1376678). Advanced modeling of protein sequence and biophysical properties (such as structural, functional, and spatial information, amino acid conservation, physicochemical variation, residue mobility, and thermodynamic stability) performed at Invitae indicates that this missense variant is expected to disrupt LMNA protein function with a positive predictive value of 95%. In summary, the available evidence is currently insufficient to determine the role of this variant in disease. Therefore, it has been classified as a Variant of Uncertain Significance.

NM_170707.4(LMNA):c.1354G>T (p.Val452Phe)

Gene: LMNA (lamin A/C; plus strand). Cytogenetic location: 1q22.
Variant type: single nucleotide variant.
Coding change: c.1354G>T on transcript NM_170707.4 (MANE Select); coding-DNA position 1354, G replaced by T.
Protein change: p.Val452Phe; replaces valine 452 with phenylalanine.
Molecular consequence: missense variant.
Genome position (GRCh38, 1-based): chr1:156,136,410, G>T. VCF-style: chr1-156136410-G-T. GRCh37 (hg19) VCF-style: chr1-156106201-G-T.
Other names: c.1018G>T, p.Val340Phe (NM_001257374.3); c.1111G>T, p.Val371Phe (NM_001282624.2); c.1354G>T, p.Val452Phe (NM_001282625.2, NM_001282626.2, NM_005572.4 and 1 more transcripts); short protein forms V452F, V340F, V371F.
Identifiers: ClinVar variation 1376678 (VCV001376678.6), dbSNP rs2102891279, ClinGen allele CA342822208.